The following is an entry in ClinVar:

ClinVar aggregate classification (germline): Pathogenic. Review status: criteria provided, multiple submitters, no conflicts (2 of 4 stars). 2 submissions from 2 submitters: Pathogenic (2). Last evaluated 2025-12-16.

Conditions:
Hereditary cancer-predisposing syndrome. Also called: Tumor predisposition; Hereditary Cancer Syndrome; Hereditary neoplastic syndrome; Neoplastic Syndromes, Hereditary. Identifiers: Orphanet 140162, MedGen C0027672, MeSH D009386, MONDO:0015356.
Familial cancer of breast. Also called: Hereditary breast cancer; hereditary breast carcinoma; BREAST CANCER, FAMILIAL. Identifiers: Orphanet 227535, MedGen C0346153, MONDO:0016419, OMIM 114480. Disease mechanism: loss of function.

Submissions (2):

Ambry Genetics
Classification: Pathogenic for Hereditary cancer-predisposing syndrome. Last evaluated: 2025-12-16. Review status: criteria provided, single submitter. Criteria: Ambry Variant Classification Scheme 2023. Collection method: clinical testing. Allele origin: germline.
Comment: The c.1579_1580delGG pathogenic mutation, located in coding exon 7 of the BARD1 gene, results from a deletion of two nucleotides at nucleotide positions 1579 to 1580, causing a translational frameshift with a predicted alternate stop codon (p.G527Sfs*9). This variant is considered to be rare based on population cohorts in the Genome Aggregation Database (gnomAD). This alteration is expected to result in loss of function by premature protein truncation or nonsense-mediated mRNA decay. As such, this alteration is interpreted as a disease-causing mutation.

Myriad Genetics, Inc.
Classification: Pathogenic for Familial cancer of breast. Last evaluated: 2024-06-25. Review status: criteria provided, single submitter. Criteria: Myriad Autosomal Dominant, Autosomal Recessive and X-Linked Classification Criteria (2023). Collection method: clinical testing. Allele origin: unknown.
Comment: This variant is considered pathogenic. This variant creates a frameshift predicted to result in premature protein truncation.

NM_000465.4(BARD1):c.1579_1580del (p.Gly527fs)

Gene: BARD1 (BRCA1 associated RING domain 1; minus strand). Cytogenetic location: 2q35.
Variant type: Deletion.
Coding change: c.1579_1580del on transcript NM_000465.4 (MANE Select); coding-DNA positions 1579 to 1580, 2 bases deleted (GG; older notation c.1579_1580delGG).
Protein change: p.Gly527fs; shifts the reading frame from glycine 527.
Molecular consequence: frameshift variant. On other transcripts: non-coding transcript variant (3), intron variant (1).
Genome position (GRCh38, 1-based): chr2:214,752,544-214,752,545, CC deleted on the plus strand (GG on the coding strand, the reverse complement: BARD1 is on the minus strand). VCF-style (leftmost placement, unchanged base first): chr2-214752543-ACC-A. GRCh37 (hg19) VCF-style: chr2-215617267-ACC-A.
Other names: c.1579_1580delGG (NM_000465.2); c.365-22037_365-22036del (NM_001282549.2); c.1522_1523del, p.Gly508fs (NM_001282543.2); c.226_227del, p.Gly76fs (NM_001282545.2); c.169_170del, p.Gly57fs (NM_001282548.2); short protein forms G508fs, G527fs, G57fs, G76fs.
Identifiers: ClinVar variation 3254414 (VCV003254414.2), dbSNP rs2469379191.